The following is an entry in ClinVar:

NM_153704.6(TMEM67):c.159G>A (p.Gln53=)

Gene: TMEM67 (transmembrane protein 67; plus strand). Cytogenetic location: 8q22.1.
Variant type: single nucleotide variant.
Coding change: c.159G>A on transcript NM_153704.6 (MANE Select); coding-DNA position 159, G replaced by A.
Protein change: p.Gln53=; no amino-acid change (glutamine 53 retained).
Molecular consequence: synonymous variant. On other transcripts: 5 prime UTR variant (1), non-coding transcript variant (1).
Genome position (GRCh38, 1-based): chr8:93,755,073, G>A. VCF-style: chr8-93755073-G-A. GRCh37 (hg19) VCF-style: chr8-94767301-G-A.
Other names: c.-126G>A (NM_001142301.1).
Identifiers: ClinVar variation 2926482 (VCV002926482.4), dbSNP rs998413541, ClinGen allele CA181304235.

ClinVar aggregate classification (germline): Likely benign. Review status: criteria provided, multiple submitters, no conflicts (2 of 4 stars). 2 submissions from 2 submitters: Likely benign (2). Last evaluated 2025-09-07.

Conditions:
TMEM67-related disorder. Also called: TMEM67-related condition; TMEM67-related disorders. Identifiers: MedGen CN239423.
Meckel-Gruber syndrome. Also called: Dysencephalia splachnocystica; DYSENCEPHALIA SPLANCHNOCYSTICA; GRUBER SYNDROME. Identifiers: Orphanet 564, MedGen C0265215, MONDO:0018921.
Joubert syndrome. Also called: Familial aplasia of the vermis; JOUBERT-BOLTSHAUSER SYNDROME. Identifiers: Orphanet 475, MedGen C5979921, MONDO:0018772.

Allele frequency attached by ClinVar (database versions not stated): gnomAD 0.00001.
gnomAD v4.1: 12 of 1,614,088 alleles (0.00074%); highest among the groups gnomAD compares: East Asian, 0.0022%; no homozygotes.

Submissions (2):

Labcorp Genetics (formerly Invitae), Labcorp
Classification: Likely benign for Joubert syndrome; Meckel-Gruber syndrome. Last evaluated: 2025-09-07. Review status: criteria provided, single submitter. Criteria: Invitae Variant Classification Sherloc (09022015). Collection method: clinical testing. Allele origin: germline.

PreventionGenetics, part of Exact Sciences
Classification: Likely benign for TMEM67-related condition. Last evaluated: 2024-10-14. Review status: criteria provided, single submitter. Criteria: ACMG Guidelines, 2015. Collection method: clinical testing. Allele origin: germline.
Comment: This variant is classified as likely benign based on ACMG/AMP sequence variant interpretation guidelines (Richards et al. 2015 PMID: 25741868, with internal and published modifications).